The following is an entry in ClinVar:

ClinVar aggregate classification (germline): Conflicting classifications of pathogenicity. Review status: criteria provided, conflicting classifications (1 of 4 stars). 2 submissions from 2 submitters: Uncertain significance (1); Likely benign (1). Last evaluated 2024-05-07.

Conditions:
Inborn genetic diseases. Identifiers: MedGen C0950123, MeSH D030342.

Allele frequency attached by ClinVar (database versions not stated): gnomAD exomes below 0.00001; gnomAD 0.00001; TOPMed 0.00002.
gnomAD v4.1: 13 of 1,614,002 alleles (0.00081%); highest among the groups gnomAD compares: East Asian, 0.0067%; no homozygotes.

Submissions (2):

Ambry Genetics
Classification: Likely benign for Inborn genetic diseases. Last evaluated: 2024-05-07. Review status: criteria provided, single submitter. Criteria: Ambry Variant Classification Scheme 2023. Collection method: clinical testing. Allele origin: germline.

Labcorp Genetics (formerly Invitae), Labcorp
Classification: Uncertain significance. Last evaluated: 2021-11-16. Review status: criteria provided, single submitter. Criteria: Invitae Variant Classification Sherloc (09022015). Collection method: clinical testing. Allele origin: germline.
Comment: This sequence change replaces arginine, which is basic and polar, with glycine, which is neutral and non-polar, at codon 4 of the PIGP protein (p.Arg4Gly). This variant is present in population databases (no rsID available, gnomAD 0.006%). This variant has not been reported in the literature in individuals affected with PIGP-related conditions. Algorithms developed to predict the effect of missense changes on protein structure and function output the following: SIFT: "Tolerated"; PolyPhen-2: "Not Available"; Align-GVGD: "Class C0". The glycine amino acid residue is found in multiple mammalian species, which suggests that this missense change does not adversely affect protein function. In summary, the available evidence is currently insufficient to determine the role of this variant in disease. Therefore, it has been classified as a Variant of Uncertain Significance.

NM_153682.3(PIGP):c.-22-41C>G

Genes: PIGP (phosphatidylinositol glycan anchor biosynthesis class P; minus strand), LOC130066643 (ATAC-STARR-seq lymphoblastoid silent region 13296; plus strand). Cytogenetic location: 21q22.13.
Variant type: single nucleotide variant.
Coding change: c.-22-41C>G on transcript NM_153682.3 (MANE Select); 41 bases into the intron before 22 bases upstream of the start codon, C replaced by G.
Molecular consequence: intron variant. On other transcripts: missense variant (1).
Genome position (GRCh38, 1-based): chr21:37,072,578, G>C on the plus strand (C>G on the coding strand, the complement: PIGP is on the minus strand). VCF-style: chr21-37072578-G-C. GRCh37 (hg19) VCF-style: chr21-38444878-G-C.
Other names: c.10C>G, p.Arg4Gly (NM_153681.2); c.-266-41C>G (NM_016430.4); c.-22-41C>G (NM_001320480.2); short protein forms R4G.
Identifiers: ClinVar variation 1433702 (VCV001433702.4), dbSNP rs1399528026, ClinGen allele CA409921851.
Genomic context (GRCh38, chr21:37,072,578, plus strand): 5'-TTCCTGGGGCTTTAGACAATCTGTGGAAAAGGAACACAATCAGCGTCAGCGATGTGCTCC[G>C]TGGCACCATTGATCCATTCTCGCCTCCTCGCTCCGCCGCGGGTACGGCCCCCGCCGCGCA-3'